The following is an entry in ClinVar:

ClinVar aggregate classification (germline): Uncertain significance (1 of 4 stars; one submission).

Conditions:
Microangiopathy and leukoencephalopathy, pontine, autosomal dominant. Also called: DEMENTIA, HEREDITARY MULTI-INFARCT, SWEDISH TYPE; Pontine autosomal dominant microangiopathy with leukoencephalopathy. Identifiers: Orphanet 477749, MedGen C5231411, MONDO:0032814, OMIM 618564.

Allele frequency attached by ClinVar (database versions not stated): gnomAD exomes 0.00001.

Submission:

3billion
Classification: Uncertain significance for Microangiopathy and leukoencephalopathy, pontine, autosomal dominant. Review status: criteria provided, single submitter. Criteria: ACMG Guidelines, 2015. Collection method: clinical testing. Allele origin: unknown. Affected: yes. Observed: 1 heterozygote.
Comment: The variant is not observed in the gnomAD v2.1.1 dataset. Missense changes are a common disease-causing mechanism. In silico tool predictions suggest damaging effect of the variant on gene or gene product (REVEL: 0.61; 3Cnet: 0.04). Therefore, this variant is classified as Uncertain significance according to the recommendation of ACMG/AMP guideline.

NM_001845.6(COL4A1):c.1655C>T (p.Pro552Leu)

Gene: COL4A1 (collagen type IV alpha 1 chain; minus strand). Cytogenetic location: 13q34.
Variant type: single nucleotide variant.
Coding change: c.1655C>T on transcript NM_001845.6 (MANE Select); coding-DNA position 1655, C replaced by T.
Protein change: p.Pro552Leu; replaces proline 552 with leucine.
Molecular consequence: missense variant.
Genome position (GRCh38, 1-based): chr13:110,187,211, G>A on the plus strand (C>T on the coding strand, the complement: COL4A1 is on the minus strand). VCF-style: chr13-110187211-G-A. GRCh37 (hg19) VCF-style: chr13-110839558-G-A.
Other names: short protein forms P552L.
Identifiers: ClinVar variation 2572468 (VCV002572468.1), dbSNP rs2501800599, ClinGen allele CA388722990.